The following is an entry in ClinVar:

ClinVar aggregate classification (germline): Likely pathogenic. Review status: criteria provided, single submitter (1 of 4 stars). 2 submissions from 2 submitters: Likely pathogenic (1). 1 of the submissions does not count toward it. Last evaluated 2023-07-01.

Conditions:
Tuberous sclerosis syndrome (TSC). Also called: Tuberous Sclerosis Complex; Tuberous sclerosis. Identifiers: Orphanet 805, MedGen C0041341, MONDO:0001734.

Submissions (2):

CeGaT Center for Human Genetics Tuebingen
Classification: Likely pathogenic. Last evaluated: 2023-07-01. Review status: criteria provided, single submitter. Criteria: CeGaT Center For Human Genetics Tuebingen Variant Classification Criteria Version 2. Collection method: clinical testing. Allele origin: germline. Affected: yes. Observed: 1 variant allele.
Comment: TSC2: PS2, PM2, PP4, PS4:Supporting

Tuberous sclerosis database (TSC2)
No classification provided. Condition: TSC. Review status: no classification provided. Criteria: Tuberous Sclerosis Database Assertion Criteria 2015. Collection method: curation. Allele origin: germline. Affected: yes. Not counted in ClinVar's aggregate classification.

NM_000548.5(TSC2):c.5231T>C (p.Leu1744Pro)

Gene: TSC2 (TSC complex subunit 2; plus strand). Cytogenetic location: 16p13.3.
Variant type: single nucleotide variant.
Coding change: c.5231T>C on transcript NM_000548.5 (MANE Select); coding-DNA position 5231, T replaced by C.
Protein change: p.Leu1744Pro; replaces leucine 1744 with proline.
Molecular consequence: missense variant.
Genome position (GRCh38, 1-based): chr16:2,088,297, T>C. VCF-style: chr16-2088297-T-C. GRCh37 (hg19) VCF-style: chr16-2138298-T-C.
Other names: c.5090T>C, p.Leu1697Pro (NM_001370405.1); c.5102T>C, p.Leu1701Pro (NM_021055.3); c.5030T>C, p.Leu1677Pro (NM_001077183.3); c.5162T>C, p.Leu1721Pro (NM_001114382.3); c.4922T>C, p.Leu1641Pro (NM_001318827.2); c.4886T>C, p.Leu1629Pro (NM_001318829.2); c.4499T>C, p.Leu1500Pro (NM_001318831.2); c.5063T>C, p.Leu1688Pro (NM_001318832.2); and 2 more; short protein forms L1744P, L1677P, L1678P, L1701P, L1641P, L1721P, L1500P, L1629P.
Identifiers: ClinVar variation 49962 (VCV000049962.29), dbSNP rs45517413, ClinGen allele CA022245.
Genomic context (GRCh38, chr16:2,088,297, plus strand): 5'-AGGTGCATCATAGCCGCTCCAACCCCACCGATATCTACCCCTCCAAGTGGATTGCCCGGC[T>C]CCGCCACATCAAGCGGCTCCGCCAGCGGGTAGGGAATATGGGGCTCCCTCAGCGGGGTGT-3'
Protein context (NP_000539.2, residues 1734-1754): DIYPSKWIAR[Leu1744Pro]RHIKRLRQRI